The following is an entry in ClinVar:

ClinVar aggregate classification (germline): Uncertain significance. Review status: criteria provided, multiple submitters, no conflicts (2 of 4 stars). 2 submissions from 2 submitters: Uncertain significance (2). Last evaluated 2025-11-27.

Conditions:
Familial thoracic aortic aneurysm and aortic dissection (TAAD). Also called: Thoracic aortic aneurysms and dissections. Identifiers: Orphanet 91387, MedGen C4707243, MONDO:0019625.
Aortic aneurysm, familial thoracic 4 (AAT4). Also called: AORTIC ANEURYSM/AORTIC DISSECTION AND PATENT DUCTUS ARTERIOSUS. Identifiers: MedGen C1851504, MONDO:0007568, OMIM 132900.

Submissions (2):

Labcorp Genetics (formerly Invitae), Labcorp
Classification: Uncertain significance for Aortic aneurysm, familial thoracic 4. Last evaluated: 2025-11-27. Review status: criteria provided, single submitter. Criteria: Invitae Variant Classification Sherloc (09022015). Collection method: clinical testing. Allele origin: germline.
Comment: This sequence change replaces lysine, which is basic and polar, with glutamic acid, which is acidic and polar, at codon 1569 of the MYH11 protein (p.Lys1569Glu). This variant is not present in population databases (gnomAD no frequency). This variant has not been reported in the literature in individuals affected with MYH11-related conditions. ClinVar contains an entry for this variant (Variation ID: 1742406). Invitae Evidence Modeling of protein sequence and biophysical properties (such as structural, functional, and spatial information, amino acid conservation, physicochemical variation, residue mobility, and thermodynamic stability) indicates that this missense variant is not expected to disrupt MYH11 protein function with a negative predictive value of 95%. In summary, the available evidence is currently insufficient to determine the role of this variant in disease. Therefore, it has been classified as a Variant of Uncertain Significance.

Ambry Genetics
Classification: Uncertain significance for Familial thoracic aortic aneurysm and aortic dissection. Last evaluated: 2022-04-06. Review status: criteria provided, single submitter. Criteria: Ambry Variant Classification Scheme 2023. Collection method: clinical testing. Allele origin: germline.
Comment: The p.K1562E variant (also known as c.4684A>G), located in coding exon 32 of the MYH11 gene, results from an A to G substitution at nucleotide position 4684. The lysine at codon 1562 is replaced by glutamic acid, an amino acid with similar properties. This amino acid position is conserved. In addition, this alteration is predicted to be deleterious by in silico analysis. Since supporting evidence is limited at this time, the clinical significance of this alteration remains unclear.

NM_002474.3(MYH11):c.4684A>G (p.Lys1562Glu)

Genes: MYH11 (myosin heavy chain 11; minus strand), NDE1 (nudE neurodevelopment protein 1; plus strand). Cytogenetic location: 16p13.11.
Variant type: single nucleotide variant.
Coding change: c.4684A>G on transcript NM_002474.3 (MANE Select); coding-DNA position 4684, A replaced by G.
Protein change: p.Lys1562Glu; replaces lysine 1562 with glutamic acid.
Molecular consequence: missense variant. On other transcripts: intron variant (2).
Genome position (GRCh38, 1-based): chr16:15,720,946, T>C on the plus strand (A>G on the coding strand, the complement: MYH11 is on the minus strand). VCF-style: chr16-15720946-T-C. GRCh37 (hg19) VCF-style: chr16-15814803-T-C.
Other names: c.4705A>G, p.Lys1569Glu (NM_001040113.2, NM_001040114.2); c.4684A>G, p.Lys1562Glu (NM_022844.3); c.948-3245T>C (NM_001143979.2, NM_017668.3); short protein forms K1562E, K1569E.
Identifiers: ClinVar variation 1742406 (VCV001742406.3), dbSNP rs2506120748, ClinGen allele CA394854054.